The following is an entry in ClinVar:

NM_000421.5(KRT10):c.1750T>C (p.Tyr584His)

Gene: KRT10 (keratin 10; minus strand). Cytogenetic location: 17q21.2.
Variant type: single nucleotide variant.
Coding change: c.1750T>C on transcript NM_000421.5 (MANE Select); coding-DNA position 1750, T replaced by C.
Protein change: p.Tyr584His; replaces tyrosine 584 with histidine.
Molecular consequence: missense variant. On other transcripts: synonymous variant (1).
Genome position (GRCh38, 1-based): chr17:40,818,481, A>G on the plus strand (T>C on the coding strand, the complement: KRT10 is on the minus strand). VCF-style: chr17-40818481-A-G. GRCh37 (hg19) VCF-style: chr17-38974733-A-G.
Other names: c.1770T>C, p.Asp590= (NM_001379366.1); short protein forms Y584H.
Identifiers: ClinVar variation 4749068 (VCV004749068.1).

ClinVar aggregate classification (germline): Uncertain significance (1 of 4 stars; one submission).

gnomAD v4.1: 28 of 1,598,428 alleles (0.0018%); highest among the groups gnomAD compares: African/African-American, 0.035%; no homozygotes.

Submission:

Labcorp Genetics (formerly Invitae), Labcorp
Classification: Uncertain significance. Last evaluated: 2025-07-24. Review status: criteria provided, single submitter. Criteria: Invitae Variant Classification Sherloc (09022015). Collection method: clinical testing. Allele origin: germline.
Comment: This sequence change replaces tyrosine, which is neutral and polar, with histidine, which is basic and polar, at codon 584 of the KRT10 protein (p.Tyr584His). This variant is present in population databases (rs199646609, gnomAD 0.03%). This variant has not been reported in the literature in individuals affected with KRT10-related conditions. Experimental studies and prediction algorithms are not available or were not evaluated, and the functional significance of this variant is currently unknown. In summary, the available evidence is currently insufficient to determine the role of this variant in disease. Therefore, it has been classified as a Variant of Uncertain Significance.